The following is an entry in ClinVar:

ClinVar aggregate classification (germline): Uncertain significance (1 of 4 stars; one submission).

Allele frequency attached by ClinVar (database versions not stated): gnomAD exomes below 0.00001.
gnomAD v4.1: 1 of 1,614,134 alleles (0.000062%); highest among the groups gnomAD compares: East Asian, 0.0022%; no homozygotes.

Submission:

Labcorp Genetics (formerly Invitae), Labcorp
Classification: Uncertain significance. Last evaluated: 2022-12-22. Review status: criteria provided, single submitter. Criteria: Invitae Variant Classification Sherloc (09022015). Collection method: clinical testing. Allele origin: germline.
Comment: In summary, the available evidence is currently insufficient to determine the role of this variant in disease. Therefore, it has been classified as a Variant of Uncertain Significance. Algorithms developed to predict the effect of missense changes on protein structure and function (SIFT, PolyPhen-2, Align-GVGD) all suggest that this variant is likely to be tolerated. This variant has not been reported in the literature in individuals affected with MCM3AP-related conditions. This variant is present in population databases (no rsID available, gnomAD 0.006%). This sequence change replaces valine, which is neutral and non-polar, with alanine, which is neutral and non-polar, at codon 1212 of the MCM3AP protein (p.Val1212Ala).

NM_003906.5(MCM3AP):c.3635T>C (p.Val1212Ala)

Gene: MCM3AP (minichromosome maintenance complex component 3 associated protein; minus strand). Cytogenetic location: 21q22.3.
Variant type: single nucleotide variant.
Coding change: c.3635T>C on transcript NM_003906.5 (MANE Select); coding-DNA position 3635, T replaced by C.
Protein change: p.Val1212Ala; replaces valine 1212 with alanine.
Molecular consequence: missense variant.
Genome position (GRCh38, 1-based): chr21:46,259,038, A>G on the plus strand (T>C on the coding strand, the complement: MCM3AP is on the minus strand). VCF-style: chr21-46259038-A-G. GRCh37 (hg19) VCF-style: chr21-47678952-A-G.
Other names: short protein forms V1212A.
Identifiers: ClinVar variation 2054891 (VCV002054891.4), dbSNP rs1348421615, ClinGen allele CA410552796.
Genomic context (GRCh38, chr21:46,259,038, plus strand): 5'-GTCTCCTTTGCAGTCTGGAAGATTTCCTCCACGAGAAACAAGTCCACTAAGTGGGCACAG[A>G]CATCCTCACAGCAACGGGCCACACGGACCCTCTGGTCTGTCTCTACTGCATTCCTAGAAA-3'
Protein context (NP_003897.2, residues 1202-1222): RVRVARCCED[Val1212Ala]CAHLVDLFLV